The following is an entry in ClinVar:

NM_005422.4(TECTA):c.4375T>C (p.Cys1459Arg)

Genes: TBCEL-TECTA (TBCEL-TECTA readthrough; plus strand), TECTA (tectorin alpha; plus strand). Cytogenetic location: 11q23.3.
Variant type: single nucleotide variant.
Coding change: c.4375T>C on transcript NM_005422.4 (MANE Select); coding-DNA position 4375, T replaced by C.
Protein change: p.Cys1459Arg; replaces cysteine 1459 with arginine.
Molecular consequence: missense variant.
Genome position (GRCh38, 1-based): chr11:121,157,910, T>C. VCF-style: chr11-121157910-T-C. GRCh37 (hg19) VCF-style: chr11-121028619-T-C.
Other names: c.5332T>C, p.Cys1778Arg (NM_001378761.1); short protein forms C1459R, C1778R.
Identifiers: ClinVar variation 2632752 (VCV002632752.2), dbSNP rs2496972725, ClinGen allele CA383026739.

ClinVar aggregate classification (germline): Uncertain significance. Review status: criteria provided, multiple submitters, no conflicts (2 of 4 stars). 2 submissions from 2 submitters: Uncertain significance (2). Last evaluated 2023-05-17.

Conditions:
TECTA-related disorder. Also called: TECTA-related condition.

Submissions (2):

PreventionGenetics, part of Exact Sciences
Classification: Uncertain significance for TECTA-related condition. Last evaluated: 2023-05-17. Review status: criteria provided, single submitter. Criteria: ACMG Guidelines, 2015. Collection method: clinical testing. Allele origin: germline.
Comment: The TECTA c.4375T>C variant is predicted to result in the amino acid substitution p.Cys1459Arg. To our knowledge, this variant has not been reported in the literature or in a large population database, indicating this variant is rare. At this time, the clinical significance of this variant is uncertain due to the absence of conclusive functional and genetic evidence.

Blueprint Genetics
Classification: Uncertain significance. Last evaluated: 2022-10-28. Review status: criteria provided, single submitter. Criteria: ACMG Guidelines, 2015. Collection method: clinical testing. Allele origin: germline.